The following is an entry in ClinVar:

ClinVar aggregate classification (germline): Conflicting classifications of pathogenicity. Review status: criteria provided, conflicting classifications (1 of 4 stars). 16 submissions from 16 submitters: Uncertain significance (1); Benign (1); Likely benign (10). 4 of the submissions do not count toward it. Last evaluated 2026-05-13.

Conditions:
BRCA2-related disorder. Also called: BRCA2-related condition; BRCA2-related disorders. Identifiers: MedGen CN239275.
Hereditary cancer. Identifiers: MedGen C1333600.
Hereditary cancer-predisposing syndrome. Also called: Hereditary Cancer Syndrome; Tumor predisposition; Neoplastic Syndromes, Hereditary; Hereditary neoplastic syndrome. Identifiers: Orphanet 140162, MedGen C0027672, MeSH D009386, MONDO:0015356.
Hereditary breast ovarian cancer syndrome. Also called: Breast and ovarian cancer; BRCA1- and BRCA2-Associated Hereditary Breast and Ovarian Cancer; Hereditary breast and ovarian cancer; Hereditary breast and ovarian cancer syndrome (HBOC); Hereditary breast and ovarian cancer syndrome; Hereditary breast and/or ovarian cancer syndrome. Identifiers: Orphanet 145, MedGen C0677776, MeSH D061325, MONDO:0003582. Disease mechanism: loss of function.
Breast-ovarian cancer, familial, susceptibility to, 2 (BROVCA2). Also called: BRCA2 Hereditary Breast and Ovarian Cancer. Identifiers: Orphanet 145, MedGen C2675520, MONDO:0012933, OMIM 612555. Disease mechanism: loss of function.

Allele frequency attached by ClinVar (database versions not stated): ExAC 0.00005; gnomAD exomes 0.00006; gnomAD 0.00025 and 0.00029; ESP Exome Variant Server 0.00031; TOPMed 0.00031.
gnomAD v4.1: 72 of 1,614,014 alleles (0.0045%); highest among the groups gnomAD compares: African/African-American, 0.077%; no homozygotes.

Submissions (16):

Women's Health and Genetics/Laboratory Corporation of America, LabCorp
Classification: Likely benign. Last evaluated: 2026-05-13. Review status: criteria provided, single submitter. Criteria: LabCorp Variant Classification Summary - May 2015. Collection method: clinical testing. Allele origin: germline.
Comment: Variant summary: BRCA2 c.9925G>A (p.Glu3309Lys) results in a conservative amino acid change in the encoded protein sequence. Algorithms developed to predict the effect of missense changes on protein structure and function all suggest that this variant is likely to be tolerated. The variant allele was found at a frequency of 8.1e-05 in 282626 control chromosomes, predominantly at a frequency of 0.0008 within the African or African-American subpopulation in the gnomAD database. The observed variant frequency within African or African-American control individuals in the gnomAD database exceeds the estimated maximal expected allele frequency for disease-causing variants in BRCA2. c.9925G>A has been observed in individual(s) affected with cancer, including breast cancer and lung adenocarcinoma (Pal_2015, Lu_2015, Mandelker_2017, Parry_2017, Ren_2021), as well as controls (Onyia_2025, Bodian_2014). These report(s) do not provide unequivocal conclusions about association of the variant with Hereditary Breast And Ovarian Cancer Syndrome. At-least one co-occurrence with a pathogenic variant has been observed at our laboratory (BRCA2 c.7110dupA , p.Ser2371fsX21; internal testing), providing supporting evidence for a benign role. c.9925G>A has been reported in the FLOSSIES database in 9 women older than age 70 years who have never had cancer, providing further supporting evidence for a benign role. One publication reports experimental evidence evaluating an impact on protein function, however, does not allow convincing conclusions about the variant effect (Ghosh_2015). The following publications have been ascertained in the context of this evaluation (PMID: 24728327, 25451944, 26689913, 28873162, 26287763, 28843361, 34196900, 40211798). ClinVar contains an entry for this variant (Variation ID: 52918). Based on the evidence outlined above, the variant was classified as likely benign.

Labcorp Genetics (formerly Invitae), Labcorp
Classification: Likely benign for Hereditary breast ovarian cancer syndrome. Last evaluated: 2026-01-13. Review status: criteria provided, single submitter. Criteria: Invitae Variant Classification Sherloc (09022015). Collection method: clinical testing. Allele origin: germline.

Institute for Biomarker Research, Medical Diagnostic Laboratories, L.L.C.
Classification: Likely benign for Hereditary breast ovarian cancer syndrome. Last evaluated: 2025-08-11. Review status: criteria provided, single submitter. Criteria: ACMG Guidelines, 2015. Collection method: clinical testing. Allele origin: germline.
Comment: The missense variant NM_000059.4(BRCA2):c.9925G>A (p.Glu3309Lys) has not been reported previously as a pathogenic variant, to our knowledge. There is a small physicochemical difference between glutamic acid and lysine, which is not likely to impact secondary protein structure as these residues share similar properties. The p.Glu3309Lys variant is not predicted to introduce a novel splice site by any splice site algorithm. The p.Glu3309Lys missense variant is predicted to be tolerated by both SIFT or PolyPhen2. The nucleotide c.9925 in BRCA2 is not conserved according to a GERP++ and PhyloP analysis of 100 vertebrates. For these reasons, this variant has been classified as Likely Benign.

Quest Diagnostics Nichols Institute San Juan Capistrano
Classification: Likely benign. Last evaluated: 2025-03-26. Review status: criteria provided, single submitter. Criteria: Quest Diagnostics criteria. Collection method: clinical testing. Allele origin: unknown.

Mendelics
Classification: Likely benign for Hereditary cancer. Last evaluated: 2025-02-27. Review status: criteria provided, single submitter. Criteria: ACMG Guidelines, 2015. Collection method: clinical testing. Allele origin: unknown.
Comment: This variant is considered likely benign or benign based on one or more of the following: it is predicted to be benign by multiple in silico algorithms, and/or has population frequency not consistent with disease, and/or has normal protein function, and/or has lack of segregation with disease, and/or has been detected in co-occurrence with known pathogenic variant, and/or has lack of disease association in case-control studies, and/or is located in a region inconsistent with a known cause of pathogenicity.

CeGaT Center for Human Genetics Tuebingen
Classification: Likely benign. Last evaluated: 2024-07-01. Review status: criteria provided, single submitter. Criteria: CeGaT Center For Human Genetics Tuebingen Variant Classification Criteria Version 2. Collection method: clinical testing. Allele origin: germline. Affected: yes. Observed: 1 variant allele.
Comment: BRCA2: BP4

ARUP Laboratories, Molecular Genetics and Genomics, ARUP Laboratories
Classification: Benign. Last evaluated: 2024-05-06. Review status: criteria provided, single submitter. Criteria: ARUP Molecular Germline Variant Investigation Process 2024. Collection method: clinical testing. Allele origin: germline.

Laboratory for Molecular Medicine, Mass General Brigham Personalized Medicine
Classification: Uncertain significance. Last evaluated: 2021-12-10. Review status: criteria provided, single submitter. Criteria: ACMG Guidelines, 2015. Collection method: clinical testing. Allele origin: germline.
Comment: The p.Glu3309Lys variant in BRCA2 has been reported in one individual with breast cancer and 2 individuals with other cancers (Pal 2015 PMID: 26287763, Parry 2017 PMID: 28843361, Mandelker 2017 PMID: 28873162). It has also been identified in 0.08% (20/24958) of African chromosomes by gnomAD. Computational prediction tools and conservation analyses suggest that this variant may not impact the protein, though this information is not predictive enough to rule out pathogenicity. In summary, while the clinical significance of this variant is uncertain, these data suggest that it is more likely to be benign. ACMG/AMP Criteria applied: BP4.

Sema4
Classification: Likely benign for Hereditary cancer-predisposing syndrome. Last evaluated: 2021-07-19. Review status: criteria provided, single submitter. Criteria: Sema4 Curation Guidelines. Collection method: curation. Allele origin: germline.

GeneDx
Classification: Likely benign. Last evaluated: 2020-11-27. Review status: criteria provided, single submitter. Criteria: GeneDx Variant Classification Process June 2021. Collection method: clinical testing. Allele origin: germline. Affected: yes.
Comment: This variant is associated with the following publications: (PMID: 25451944, 24728327, 26689913, 28873162, 26295337, 26287763)

Ambry Genetics
Classification: Likely benign for Hereditary cancer-predisposing syndrome. Last evaluated: 2018-06-07. Review status: criteria provided, single submitter. Criteria: Ambry Variant Classification Scheme 2023. Collection method: clinical testing. Allele origin: germline.

Color Diagnostics, LLC DBA Color Health
Classification: Likely benign for Hereditary cancer-predisposing syndrome. Last evaluated: 2015-11-16. Review status: criteria provided, single submitter. Criteria: ACMG Guidelines, 2015. Collection method: clinical testing. Allele origin: germline.

PreventionGenetics, part of Exact Sciences
Classification: Likely benign for BRCA2-related condition. Last evaluated: 2020-10-16. Review status: no assertion criteria provided. Collection method: clinical testing. Allele origin: germline. Not counted in ClinVar's aggregate classification.
Comment: This variant is classified as likely benign based on ACMG/AMP sequence variant interpretation guidelines (Richards et al. 2015 PMID: 25741868, with internal and published modifications).

ITMI
No classification provided. Condition: AllHighlyPenetrant. Last evaluated: 2013-09-19. Review status: no classification provided. Collection method: reference population. Allele origin: germline. Not counted in ClinVar's aggregate classification.
Comment: Please see associated publication for description of ethnicities

Sharing Clinical Reports Project (SCRP)
Classification: Benign for Breast-ovarian cancer, familial 2. Last evaluated: 2009-12-17. Review status: no assertion criteria provided. Collection method: clinical testing. Allele origin: germline. Not counted in ClinVar's aggregate classification.

Breast Cancer Information Core (BIC) (BRCA2)
Classification: Uncertain significance for Breast-ovarian cancer, familial 2. Last evaluated: 2003-12-23. Review status: no assertion criteria provided. Collection method: clinical testing. Allele origin: germline. Affected: yes. Observed: 5 variant alleles. Not counted in ClinVar's aggregate classification.

Literature cited by the submitters: PubMed 24728327 (cited by 4 submitters); PubMed 26287763 (cited by 3 submitters); PubMed 26689913 (cited by Women's Health and Genetics/Laboratory Corporation of America, LabCorp and Quest Diagnostics Nichols Institute San Juan Capistrano); PubMed 25451944 (cited by Women's Health and Genetics/Laboratory Corporation of America, LabCorp); PubMed 28873162 (cited by Women's Health and Genetics/Laboratory Corporation of America, LabCorp and Quest Diagnostics Nichols Institute San Juan Capistrano); PubMed 28843361 (cited by Women's Health and Genetics/Laboratory Corporation of America, LabCorp and Quest Diagnostics Nichols Institute San Juan Capistrano); PubMed 34196900 (cited by 3 submitters); PubMed 40211798 (cited by Women's Health and Genetics/Laboratory Corporation of America, LabCorp); PubMed 26295337 (cited by Quest Diagnostics Nichols Institute San Juan Capistrano); PubMed 32467295 (cited by Quest Diagnostics Nichols Institute San Juan Capistrano and Sema4); PubMed 31131967 (cited by Quest Diagnostics Nichols Institute San Juan Capistrano); PubMed 34326862 (cited by Quest Diagnostics Nichols Institute San Juan Capistrano); PubMed 32832836 (cited by Quest Diagnostics Nichols Institute San Juan Capistrano).

NM_000059.4(BRCA2):c.9925G>A (p.Glu3309Lys)

Gene: BRCA2 (BRCA2 DNA repair associated; plus strand). Cytogenetic location: 13q13.1.
Variant type: single nucleotide variant.
Coding change: c.9925G>A on transcript NM_000059.4 (MANE Select); coding-DNA position 9925, G replaced by A.
Protein change: p.Glu3309Lys; replaces glutamic acid 3309 with lysine.
Molecular consequence: missense variant.
Genome position (GRCh38, 1-based): chr13:32,398,438, G>A. VCF-style: chr13-32398438-G-A. GRCh37 (hg19) VCF-style: chr13-32972575-G-A.
Other names: p.E3309K:GAA>AAA; 10153G>A; short protein forms E3309K.
Identifiers: ClinVar variation 52918 (VCV000052918.58), dbSNP rs80359251, ClinGen allele CA026334.
Genomic context (GRCh38, chr13:32,398,438, plus strand): 5'-TTTGTTTCTCCGGCTGCACAGAAGGCATTTCAGCCACCAAGGAGTTGTGGCACCAAATAC[G>A]AAACACCCATAAAGAAAAAAGAACTGAATTCTCCTCAGATGACTCCATTTAAAAAATTCA-3'
Protein context (NP_000050.3, residues 3299-3319): QPPRSCGTKY[Glu3309Lys]TPIKKKELNS